The following is an entry in ClinVar:

ClinVar aggregate classification (germline): Pathogenic/Likely pathogenic. Review status: criteria provided, multiple submitters, no conflicts (2 of 4 stars). 6 submissions from 6 submitters: Pathogenic (4); Likely pathogenic (1). 1 of the submissions does not count toward it. Last evaluated 2026-01-19.

Conditions:
Familial hypokalemia-hypomagnesemia (GTLMNS). Also called: gitelman syndrome; HYPOMAGNESEMIA-HYPOKALEMIA, PRIMARY RENOTUBULAR, WITH HYPOCALCIURIA; POTASSIUM AND MAGNESIUM DEPLETION. Identifiers: Orphanet 358, MedGen C0268450, MONDO:0009904, OMIM 263800.
SLC12A3-related disorder. Also called: SLC12A3-related condition.

Allele frequency attached by ClinVar (database versions not stated): gnomAD exomes below 0.00001 and 0.00001; TOPMed below 0.00001; ExAC 0.00001.
gnomAD v4.1: 8 of 1,613,806 alleles (0.0005%); highest among the groups gnomAD compares: Non-Finnish European, 0.00068%; no homozygotes.

Submissions (6):

Labcorp Genetics (formerly Invitae), Labcorp
Classification: Pathogenic. Last evaluated: 2026-01-19. Review status: criteria provided, single submitter. Criteria: Invitae Variant Classification Sherloc (09022015). Collection method: clinical testing. Allele origin: germline.
Comment: This sequence change replaces cysteine, which is neutral and slightly polar, with tyrosine, which is neutral and polar, at codon 421 of the SLC12A3 protein (p.Cys421Tyr). This variant is present in population databases (rs781342495, gnomAD 0.002%). This missense change has been observed in individuals with Gitelman syndrome (PMID: 21415153, 24830959). ClinVar contains an entry for this variant (Variation ID: 1458231). Invitae Evidence Modeling of protein sequence and biophysical properties (such as structural, functional, and spatial information, amino acid conservation, physicochemical variation, residue mobility, and thermodynamic stability) indicates that this missense variant is expected to disrupt SLC12A3 protein function with a positive predictive value of 95%. Experimental studies have shown that this missense change affects SLC12A3 function (PMID: 27582097). This variant disrupts the p.Cys421 amino acid residue in SLC12A3. Other variant(s) that disrupt this residue have been observed in individuals with SLC12A3-related conditions (PMID: 17699451, 27454426), which suggests that this may be a clinically significant amino acid residue. For these reasons, this variant has been classified as Pathogenic.

Natera, Inc.
Classification: Pathogenic for Gitelman syndrome. Last evaluated: 2024-09-30. Review status: criteria provided, single submitter. Criteria: Natera Variant Classification Schema (03/2026). Collection method: clinical testing. Allele origin: germline.
Comment: The c.1262G>A variant in SLC12A3 is a missense variant predicted to cause substitution of cysteine to tyrosine at amino acid 421. This variant is rare in the general population with a frequency below the threshold expected for the associated phenotype(s). This variant has been observed in one or more individuals affected with the associated recessive disease, as either homozygous or compound heterozygous with a second variant (PMID: 21415153, 22241817, 24830959). Functional studies show that this variant may disrupt protein function (PMID: 27582097). A different variant at the same position has been determined to be Pathogenic or Likely Pathogenic. Computational prediction algorithms indicate this variant is likely to affect gene or protein function. Given the available evidence, this variant is classified as Pathogenic.

GeneDx
Classification: Pathogenic. Last evaluated: 2024-04-03. Review status: criteria provided, single submitter. Criteria: GeneDx Variant Classification Process June 2021. Collection method: clinical testing. Allele origin: germline. Affected: yes.
Comment: Published in vitro functional studies demonstrate impaired protein function compared to wildtype (PMID: 27582097); Not observed at significant frequency in large population cohorts (gnomAD); In silico analysis supports that this missense variant has a deleterious effect on protein structure/function; This variant is associated with the following publications: (PMID: 21415153, 27582097, 22241817, 24830959)

Women's Health and Genetics/Laboratory Corporation of America, LabCorp
Classification: Likely pathogenic for Familial hypokalemia-hypomagnesemia. Last evaluated: 2023-08-23. Review status: criteria provided, single submitter. Criteria: LabCorp Variant Classification Summary - May 2015. Collection method: clinical testing. Allele origin: germline.
Comment: Variant summary: SLC12A3 c.1262G>A (p.Cys421Tyr) results in a non-conservative amino acid change located in the Amino acid permease domain (IPR004841) of the encoded protein sequence. Five of five in-silico tools predict a damaging effect of the variant on protein function. The variant allele was found at a frequency of 4e-06 in 250578 control chromosomes (gnomAD). The available data on variant occurrences in the general population are insufficient to allow any conclusion about variant significance. c.1262G>A has been reported in the literature in several compound heterozygous individuals affected with Gitelman syndrome (e.g., Vargas-Poussou_2011, Favre_2012, Tavira_2014). These data indicate that the variant is likely to be associated with disease. At least one publication reports experimental evidence evaluating an impact on protein function, finding that the variant results in reduced NCC activity, protein expression, abundance at the plasma membrane, glycosylation, and phosphorylation (e.g., Valdez-Flores_2016). The following publications have been ascertained in the context of this evaluation (PMID: 22241817, 24830959, 27582097, 21415153). One submitter has reported clinical-significance assessments for this variant to ClinVar after 2014 and has classified the variant as pathogenic. Additionally, other missense variants affecting the same codon, namely C421R and C421F, have been identified in multiple individuals affected with Gitelman syndrome (PMIDs: 8528245, 30596175, 31398183, 27454426), and C421R has been shown to segregate with disease in related individuals and is classified as pathogenic in ClinVar. Based on the evidence outlined above, the variant was classified as likely pathogenic.

Blueprint Genetics
Classification: Pathogenic for SLC12A3-related disorders. Last evaluated: 2019-08-16. Review status: criteria provided, single submitter. Criteria: ACMG Guidelines, 2015. Collection method: clinical testing. Allele origin: germline. Affected: yes. Observed: 4 variant alleles.

PreventionGenetics, part of Exact Sciences
Classification: Likely pathogenic for SLC12A3-related condition. Last evaluated: 2023-10-18. Review status: no assertion criteria provided. Collection method: clinical testing. Allele origin: germline. Not counted in ClinVar's aggregate classification.
Comment: The SLC12A3 c.1262G>A variant is predicted to result in the amino acid substitution p.Cys421Tyr. This variant was reported with a second SLC12A3 variant in individuals with Gitelman syndrome (Vargas-Poussou et al 2011. PubMed ID: 21415153; Valdez-Flores MA et al 2016. PubMed ID: 27582097; Tavira B et al 2014. PubMed ID: 24830959; Colussi G et al 2007. PubMed ID: 17699451). Functional studies also indicate this variant affects protein function (Valdez-Flores MA et al 2016. PubMed ID: 27582097). This variant is reported in 0.00088% of alleles in individuals of European (Non-Finnish) descent in gnomAD. This variant is interpreted as likely pathogenic.

Literature cited by the submitters: PubMed 21415153 (cited by 3 submitters); PubMed 24830959 (cited by 3 submitters); PubMed 27582097 (cited by 3 submitters); PubMed 17699451 (cited by Labcorp Genetics (formerly Invitae), Labcorp); PubMed 27454426 (cited by Labcorp Genetics (formerly Invitae), Labcorp); PubMed 22241817 (cited by Natera, Inc. and Women's Health and Genetics/Laboratory Corporation of America, LabCorp).

NM_001126108.2(SLC12A3):c.1262G>A (p.Cys421Tyr)

Gene: SLC12A3 (solute carrier family 12 member 3; plus strand). Cytogenetic location: 16q13.
Variant type: single nucleotide variant.
Coding change: c.1262G>A on transcript NM_001126108.2 (MANE Select); coding-DNA position 1262, G replaced by A.
Protein change: p.Cys421Tyr; replaces cysteine 421 with tyrosine.
Molecular consequence: missense variant.
Genome position (GRCh38, 1-based): chr16:56,879,154, G>A. VCF-style: chr16-56879154-G-A. GRCh37 (hg19) VCF-style: chr16-56913066-G-A.
Other names: c.1262G>A (NM_000339.2); c.1262G>A, p.Cys421Tyr (NM_000339.3); c.1259G>A, p.Cys420Tyr (NM_001126107.2); short protein forms C421Y, C420Y.
Identifiers: ClinVar variation 1458231 (VCV001458231.12), dbSNP rs781342495, ClinGen allele CA8069409.